The following is an entry in ClinVar:

NM_002242.4(KCNJ13):c.403del (p.Ile135fs)

Genes: GIGYF2 (GRB10 interacting GYF protein 2; plus strand), KCNJ13 (potassium inwardly rectifying channel subfamily J member 13; minus strand). Cytogenetic location: 2q37.1.
Variant type: Deletion.
Coding change: c.403del on transcript NM_002242.4 (MANE Select); coding-DNA position 403, one base deleted (A; older notation c.403delA).
Protein change: p.Ile135fs; shifts the reading frame from isoleucine 135.
Molecular consequence: frameshift variant. On other transcripts: intron variant (5).
Genome position (GRCh38, 1-based): chr2:232,770,960, T deleted on the plus strand (A on the coding strand, the reverse complement: KCNJ13 is on the minus strand); the first of 2 consecutive T bases (chr2:232,770,960-232,770,961); deleting either gives the same sequence. VCF-style (leftmost placement, unchanged base first): chr2-232770959-AT-A. GRCh37 (hg19) VCF-style: chr2-233635669-AT-A.
Other names: c.163del, p.Ile55fs (NM_001172417.1); c.532+9525del (NM_001103146.3, NM_015575.4, NM_001103148.2); c.533-5451del (NM_001103147.2); c.224+179del (NM_001172416.1); short protein forms I135fs, I55fs.
Identifiers: ClinVar variation 2571128 (VCV002571128.27), dbSNP rs2469812571, ClinGen allele CA2580614165.

ClinVar aggregate classification (germline): Likely pathogenic (1 of 4 stars; one submission).

Submission:

CeGaT Center for Human Genetics Tuebingen
Classification: Likely pathogenic. Last evaluated: 2023-05-01. Review status: criteria provided, single submitter. Criteria: CeGaT Center For Human Genetics Tuebingen Variant Classification Criteria Version 2. Collection method: clinical testing. Allele origin: germline. Affected: yes. Observed: 1 variant allele.
Comment: KCNJ13: PVS1:Strong, PM2